The following is an entry in ClinVar:

ClinVar aggregate classification (germline): Uncertain significance (1 of 4 stars; one submission).

Conditions:
Familial sleep-related hypermotor epilepsy. Also called: Autosomal Dominant Sleep-Related Hypermotor (Hyperkinetic) Epilepsy. Identifiers: Orphanet 98784, MedGen C3696898, MONDO:0000030.

Allele frequency attached by ClinVar (database versions not stated): gnomAD exomes 0.00001; ExAC 0.00001; gnomAD 0.00001; TOPMed 0.00002.
gnomAD v4.1: 34 of 1,613,980 alleles (0.0021%); highest among the groups gnomAD compares: Non-Finnish European, 0.0027%; no homozygotes.

Submission:

Labcorp Genetics (formerly Invitae), Labcorp
Classification: Uncertain significance. Last evaluated: 2025-11-24. Review status: criteria provided, single submitter. Criteria: Invitae Variant Classification Sherloc (09022015). Collection method: clinical testing. Allele origin: germline.
Comment: This sequence change replaces proline, which is neutral and non-polar, with leucine, which is neutral and non-polar, at codon 40 of the CHRNA2 protein (p.Pro40Leu). This variant is present in population databases (rs745670660, gnomAD 0.003%). This variant has not been reported in the literature in individuals affected with CHRNA2-related conditions. ClinVar contains an entry for this variant (Variation ID: 204954). Invitae Evidence Modeling of protein sequence and biophysical properties (such as structural, functional, and spatial information, amino acid conservation, physicochemical variation, residue mobility, and thermodynamic stability) indicates that this missense variant is not expected to disrupt CHRNA2 protein function with a negative predictive value of 95%. In summary, the available evidence is currently insufficient to determine the role of this variant in disease. Therefore, it has been classified as a Variant of Uncertain Significance.

NM_000742.4(CHRNA2):c.119C>T (p.Pro40Leu)

Gene: CHRNA2 (cholinergic receptor nicotinic alpha 2 subunit; minus strand). Cytogenetic location: 8p21.2.
Variant type: single nucleotide variant.
Coding change: c.119C>T on transcript NM_000742.4 (MANE Select); coding-DNA position 119, C replaced by T.
Protein change: p.Pro40Leu; replaces proline 40 with leucine.
Molecular consequence: missense variant. On other transcripts: 5 prime UTR variant (4).
Genome position (GRCh38, 1-based): chr8:27,469,936, G>A on the plus strand (C>T on the coding strand, the complement: CHRNA2 is on the minus strand). VCF-style: chr8-27469936-G-A. GRCh37 (hg19) VCF-style: chr8-27327453-G-A.
Other names: c.119C>T, p.Pro40Leu (NM_001282455.2); c.-309C>T (NM_001347705.2); c.-354C>T (NM_001347706.2); c.-295C>T (NM_001347707.2); c.-343C>T (NM_001347708.2); short protein forms P40L.
Identifiers: ClinVar variation 204954 (VCV000204954.7), dbSNP rs745670660, ClinGen allele CA313430.
Genomic context (GRCh38, chr8:27,469,936, plus strand): 5'-TCCTCAGTCTCGGTATGCGAGCCTCCCTGCGGCAATGCCGTGGGACTGGGAGAGGAGAGT[G>A]GGTCTCCAGGAGCCCTGGGAGGTGGGCGCTTAGCTTCCTCTCCACCTGCCATCAAATCAG-3'
Protein context (NP_000733.2, residues 30-50): KRPPPRAPGD[Pro40Leu]LSSPSPTALP